The following is an entry in ClinVar:

NM_000717.5(CA4):c.886C>T (p.Pro296Ser)

Gene: CA4 (carbonic anhydrase 4; plus strand). Cytogenetic location: 17q23.1.
Variant type: single nucleotide variant.
Coding change: c.886C>T on transcript NM_000717.5 (MANE Select); coding-DNA position 886, C replaced by T.
Protein change: p.Pro296Ser; replaces proline 296 with serine.
Molecular consequence: missense variant. On other transcripts: non-coding transcript variant (1).
Genome position (GRCh38, 1-based): chr17:60,159,371, C>T. VCF-style: chr17-60159371-C-T. GRCh37 (hg19) VCF-style: chr17-58236732-C-T.
Other names: short protein forms P296S.
Identifiers: ClinVar variation 4728753 (VCV004728753.1).

ClinVar aggregate classification (germline): Uncertain significance (1 of 4 stars; one submission).

Submission:

Labcorp Genetics (formerly Invitae), Labcorp
Classification: Uncertain significance. Last evaluated: 2025-10-08. Review status: criteria provided, single submitter. Criteria: Invitae Variant Classification Sherloc (09022015). Collection method: clinical testing. Allele origin: germline.
Comment: This sequence change replaces proline, which is neutral and non-polar, with serine, which is neutral and polar, at codon 296 of the CA4 protein (p.Pro296Ser). This variant is not present in population databases (gnomAD no frequency). This variant has not been reported in the literature in individuals affected with CA4-related conditions. An algorithm developed to predict the effect of missense changes on protein structure and function (PolyPhen-2) suggests that this variant is likely to be disruptive. In summary, the available evidence is currently insufficient to determine the role of this variant in disease. Therefore, it has been classified as a Variant of Uncertain Significance.